The following is an entry in ClinVar:

NM_000821.7(GGCX):c.2063A>G (p.Lys688Arg)

Gene: GGCX (gamma-glutamyl carboxylase; minus strand). Cytogenetic location: 2p11.2.
Variant type: single nucleotide variant.
Coding change: c.2063A>G on transcript NM_000821.7 (MANE Select); coding-DNA position 2063, A replaced by G.
Protein change: p.Lys688Arg; replaces lysine 688 with arginine.
Molecular consequence: missense variant.
Genome position (GRCh38, 1-based): chr2:85,550,576, T>C on the plus strand (A>G on the coding strand, the complement: GGCX is on the minus strand). VCF-style: chr2-85550576-T-C. GRCh37 (hg19) VCF-style: chr2-85777699-T-C.
Other names: c.1892A>G, p.Lys631Arg (NM_001142269.4); short protein forms K631R, K688R.
Identifiers: ClinVar variation 3666549 (VCV003666549.2).

ClinVar aggregate classification (germline): Uncertain significance (1 of 4 stars; one submission).

Submission:

Labcorp Genetics (formerly Invitae), Labcorp
Classification: Uncertain significance. Last evaluated: 2025-01-18. Review status: criteria provided, single submitter. Criteria: Invitae Variant Classification Sherloc (09022015). Collection method: clinical testing. Allele origin: germline.
Comment: This sequence change replaces lysine, which is basic and polar, with arginine, which is basic and polar, at codon 688 of the GGCX protein (p.Lys688Arg). This variant is not present in population databases (gnomAD no frequency). This variant has not been reported in the literature in individuals affected with GGCX-related conditions. Invitae Evidence Modeling of protein sequence and biophysical properties (such as structural, functional, and spatial information, amino acid conservation, physicochemical variation, residue mobility, and thermodynamic stability) indicates that this missense variant is not expected to disrupt GGCX protein function with a negative predictive value of 80%. In summary, the available evidence is currently insufficient to determine the role of this variant in disease. Therefore, it has been classified as a Variant of Uncertain Significance.